The following is an entry in ClinVar:

NM_001318510.2(ACSL4):c.1502C>T (p.Ser501Phe)

Gene: ACSL4 (acyl-CoA synthetase long chain family member 4; minus strand). Cytogenetic location: Xq23.
Variant type: single nucleotide variant.
Coding change: c.1502C>T on transcript NM_001318510.2 (MANE Select); coding-DNA position 1502, C replaced by T.
Protein change: p.Ser501Phe; replaces serine 501 with phenylalanine.
Molecular consequence: missense variant.
Genome position (GRCh38, 1-based): chrX:109,663,291, G>A on the plus strand (C>T on the coding strand, the complement: ACSL4 is on the minus strand). VCF-style: chrX-109663291-G-A. GRCh37 (hg19) VCF-style: chrX-108906520-G-A.
Other names: c.1625C>T, p.Ser542Phe (NM_001318509.2, NM_022977.3); c.1502C>T, p.Ser501Phe (NM_004458.3); short protein forms S501F, S542F.
Identifiers: ClinVar variation 3771081 (VCV003771081.13).

ClinVar aggregate classification (germline): Uncertain significance (1 of 4 stars; one submission).

gnomAD v4.1: 2 of 1,208,946 alleles (0.00017%); highest among the groups gnomAD compares: Non-Finnish European, 0.00011%; no homozygotes.

Submission:

CeGaT Center for Human Genetics Tuebingen
Classification: Uncertain significance. Last evaluated: 2025-01-01. Review status: criteria provided, single submitter. Criteria: CeGaT Center For Human Genetics Tuebingen Variant Classification Criteria Version 2. Collection method: clinical testing. Allele origin: germline. Affected: yes. Observed: 1 variant allele.
Comment: ACSL4: PM2, BP4